The following is an entry in ClinVar:

ClinVar aggregate classification (germline): Uncertain significance (1 of 4 stars; one submission).

Allele frequency attached by ClinVar (database versions not stated): gnomAD exomes below 0.00001.
gnomAD v4.1: 1 of 1,614,148 alleles (0.000062%); highest among the groups gnomAD compares: South Asian, 0.0011%; no homozygotes.

Submission:

Labcorp Genetics (formerly Invitae), Labcorp
Classification: Uncertain significance. Last evaluated: 2025-03-25. Review status: criteria provided, single submitter. Criteria: Invitae Variant Classification Sherloc (09022015). Collection method: clinical testing. Allele origin: germline.
Comment: This sequence change replaces leucine, which is neutral and non-polar, with valine, which is neutral and non-polar, at codon 360 of the PTPN23 protein (p.Leu360Val). This variant is not present in population databases (gnomAD no frequency). This variant has not been reported in the literature in individuals affected with PTPN23-related conditions. ClinVar contains an entry for this variant (Variation ID: 1374984). Experimental studies and prediction algorithms are not available or were not evaluated, and the functional significance of this variant is currently unknown. In summary, the available evidence is currently insufficient to determine the role of this variant in disease. Therefore, it has been classified as a Variant of Uncertain Significance.

NM_015466.4(PTPN23):c.1078C>G (p.Leu360Val)

Gene: PTPN23 (protein tyrosine phosphatase non-receptor type 23; plus strand). Cytogenetic location: 3p21.31.
Variant type: single nucleotide variant.
Coding change: c.1078C>G on transcript NM_015466.4 (MANE Select); coding-DNA position 1078, C replaced by G.
Protein change: p.Leu360Val; replaces leucine 360 with valine.
Molecular consequence: missense variant.
Genome position (GRCh38, 1-based): chr3:47,407,771, C>G. VCF-style: chr3-47407771-C-G. GRCh37 (hg19) VCF-style: chr3-47449261-C-G.
Other names: c.700C>G, p.Leu234Val (NM_001304482.2); short protein forms L234V, L360V.
Identifiers: ClinVar variation 1374984 (VCV001374984.6), dbSNP rs2107717341, ClinGen allele CA352550283.